The following is an entry in ClinVar:

ClinVar aggregate classification (germline): Likely benign. Review status: criteria provided, multiple submitters, no conflicts (2 of 4 stars). 2 submissions from 2 submitters: Likely benign (2). Last evaluated 2025-08-01.

Allele frequency attached by ClinVar (database versions not stated): TOPMed 0.00009; gnomAD 0.00022 and 0.00024; ExAC 0.00035.
gnomAD v4.1: 225 of 1,614,012 alleles (0.014%); highest among the groups gnomAD compares: Non-Finnish European, 0.014%; no homozygotes.

Submissions (2):

CeGaT Center for Human Genetics Tuebingen
Classification: Likely benign. Last evaluated: 2025-08-01. Review status: criteria provided, single submitter. Criteria: CeGaT Center For Human Genetics Tuebingen Variant Classification Criteria Version 2. Collection method: clinical testing. Allele origin: germline. Affected: yes. Observed: 2 variant alleles.
Comment: PPP2R5D: BP4, BP7

Labcorp Genetics (formerly Invitae), Labcorp
Classification: Likely benign. Last evaluated: 2025-04-17. Review status: criteria provided, single submitter. Criteria: Invitae Variant Classification Sherloc (09022015). Collection method: clinical testing. Allele origin: germline.

NM_006245.4(PPP2R5D):c.885C>T (p.Asn295=)

Gene: PPP2R5D (protein phosphatase 2 regulatory subunit B'delta; plus strand). Cytogenetic location: 6p21.1.
Variant type: single nucleotide variant.
Coding change: c.885C>T on transcript NM_006245.4 (MANE Select); coding-DNA position 885, C replaced by T.
Protein change: p.Asn295=; no amino-acid change (asparagine 295 retained).
Molecular consequence: synonymous variant.
Genome position (GRCh38, 1-based): chr6:43,008,228, C>T. VCF-style: chr6-43008228-C-T. GRCh37 (hg19) VCF-style: chr6-42975966-C-T.
Other names: c.432C>T, p.Asn144= (NM_001270476.2); c.789C>T, p.Asn263= (NM_180976.3); c.567C>T, p.Asn189= (NM_180977.3).
Identifiers: ClinVar variation 1430202 (VCV001430202.22), dbSNP rs768102492, ClinGen allele CA3811935.
Genomic context (GRCh38, chr6:43,008,228, plus strand): 5'-GGGTTGTCAAGAGAGCCATTTTTCTTCCCTCAGGTTCATCTACGAGACGGAGCATCACAA[C>T]GGGATTGCTGAGCTCCTGGAGATCCTGGGCAGGTGAGAGGCCGGGTGGGGGCACAGATGC-3'
Protein context (NP_006236.1, residues 285-305): YRFIYETEHH[Asn295=]GIAELLEILG